The following is an entry in ClinVar:

ClinVar aggregate classification (germline): Uncertain significance. Review status: criteria provided, multiple submitters, no conflicts (2 of 4 stars). 2 submissions from 2 submitters: Uncertain significance (2). Last evaluated 2022-05-06.

Conditions:
Cenani-Lenz syndactyly syndrome. Also called: CENANI SYNDACTYLISM; SYNDACTYLY, TYPE VII. Identifiers: Orphanet 3258, MedGen C1859309, MONDO:0008931, OMIM 212780.
Congenital myasthenic syndrome 17. Identifiers: Orphanet 590, MedGen C4225377, MONDO:0014578, OMIM 616304.
Sclerosteosis 2 (SOST2). Identifiers: Orphanet 3152, MedGen C3280402, MONDO:0013679, OMIM 614305.

Allele frequency attached by ClinVar (database versions not stated): gnomAD 0.00005 and 0.00006; ExAC 0.00007; TOPMed 0.00008; ESP Exome Variant Server 0.00023.
gnomAD v4.1: 82 of 1,614,104 alleles (0.0051%); highest among the groups gnomAD compares: Non-Finnish European, 0.0027%; no homozygotes.

Submissions (2):

Fulgent Genetics
Classification: Uncertain significance for Cenani-Lenz syndactyly syndrome; Sclerosteosis 2; Congenital myasthenic syndrome 17. Last evaluated: 2022-05-06. Review status: criteria provided, single submitter. Criteria: ACMG Guidelines, 2015. Collection method: clinical testing. Allele origin: unknown.

Labcorp Genetics (formerly Invitae), Labcorp
Classification: Uncertain significance for Cenani-Lenz syndactyly syndrome; Sclerosteosis 2; Congenital myasthenic syndrome 17. Last evaluated: 2022-05-04. Review status: criteria provided, single submitter. Criteria: Invitae Variant Classification Sherloc (09022015). Collection method: clinical testing. Allele origin: germline.
Comment: This sequence change replaces arginine, which is basic and polar, with cysteine, which is neutral and slightly polar, at codon 457 of the LRP4 protein (p.Arg457Cys). This variant is present in population databases (rs148856658, gnomAD 0.2%). This variant has not been reported in the literature in individuals affected with LRP4-related conditions. ClinVar contains an entry for this variant (Variation ID: 656081). Algorithms developed to predict the effect of missense changes on protein structure and function (SIFT, PolyPhen-2, Align-GVGD) all suggest that this variant is likely to be disruptive. In summary, the available evidence is currently insufficient to determine the role of this variant in disease. Therefore, it has been classified as a Variant of Uncertain Significance.

NM_002334.4(LRP4):c.1369C>T (p.Arg457Cys)

Gene: LRP4 (LDL receptor related protein 4; minus strand). Cytogenetic location: 11p11.2.
Variant type: single nucleotide variant.
Coding change: c.1369C>T on transcript NM_002334.4 (MANE Select); coding-DNA position 1369, C replaced by T.
Protein change: p.Arg457Cys; replaces arginine 457 with cysteine.
Molecular consequence: missense variant.
Genome position (GRCh38, 1-based): chr11:46,894,760, G>A on the plus strand (C>T on the coding strand, the complement: LRP4 is on the minus strand). VCF-style: chr11-46894760-G-A. GRCh37 (hg19) VCF-style: chr11-46916311-G-A.
Other names: short protein forms R457C.
Identifiers: ClinVar variation 656081 (VCV000656081.7), dbSNP rs148856658, ClinGen allele CA5970162.
Genomic context (GRCh38, chr11:46,894,760, plus strand): 5'-GGTGGAAATCAAGGGCAATGGCATTCTCCAGGTTGTTAAGCAGCAGTGTGTACTCAGAGC[G>A]GTGTGGCAGCACCTGCCGGATGTCGATGCGATTGGCGAACAGCAGCACAGGCTCTGGCCC-3'
Protein context (NP_002325.2, residues 447-467): RIDIRQVLPH[Arg457Cys]SEYTLLLNNL